The following is an entry in ClinVar:

ClinVar aggregate classification (germline): Pathogenic (1 of 4 stars; one submission).

Conditions:
Encephalopathy due to GLUT1 deficiency. Also called: GLUCOSE TRANSPORT DEFECT, BLOOD-BRAIN BARRIER; De Vivo disease; Glucose transporter protein syndrome; GLUT1 deficiency syndrome 1; GLUT1 deficiency syndrome 1, infantile onset, severe; Classic Glucose Transporter Type 1 Deficiency Syndrome. Identifiers: Orphanet 71277, MedGen C4551966, MONDO:0011724, OMIM 606777.

Submission:

Unidad de Genómica Garrahan, Hospital de Pediatría Garrahan
Classification: Pathogenic for Encephalopathy due to GLUT1 deficiency. Last evaluated: 2025-06-12. Review status: criteria provided, single submitter. Criteria: ACMG Guidelines, 2015. Collection method: clinical testing. Allele origin: germline. Affected: yes. Observed: 1 variant allele.
Comment: PP2_Supporting, PM2_Moderate, PP3_Strong, PM5_Moderate, PS4_Moderate, PM6_Strong

Literature cited by the submitters: PubMed 26193382; PubMed 30616884.

NM_006516.4(SLC2A1):c.425T>A (p.Met142Lys)

Gene: SLC2A1 (solute carrier family 2 member 1; minus strand). Cytogenetic location: 1p34.2.
Variant type: single nucleotide variant.
Coding change: c.425T>A on transcript NM_006516.4 (MANE Select); coding-DNA position 425, T replaced by A.
Protein change: p.Met142Lys; replaces methionine 142 with lysine.
Molecular consequence: missense variant.
Genome position (GRCh38, 1-based): chr1:42,930,717, A>T on the plus strand (T>A on the coding strand, the complement: SLC2A1 is on the minus strand). VCF-style: chr1-42930717-A-T. GRCh37 (hg19) VCF-style: chr1-43396388-A-T.
Other names: short protein forms M142K.
Identifiers: ClinVar variation 4057319 (VCV004057319.1).